The following is an entry in ClinVar:

NM_007294.4(BRCA1):c.5193+8C>A

Gene: BRCA1 (BRCA1 DNA repair associated; minus strand). Cytogenetic location: 17q21.31.
Variant type: single nucleotide variant.
Coding change: c.5193+8C>A on transcript NM_007294.4 (MANE Select); 8 bases into the intron after coding-DNA position 5193, C replaced by A.
Molecular consequence: intron variant.
Genome position (GRCh38, 1-based): chr17:43,063,325, G>T on the plus strand (C>A on the coding strand, the complement: BRCA1 is on the minus strand). VCF-style: chr17-43063325-G-T. GRCh37 (hg19) VCF-style: chr17-41215342-G-T.
Other names: c.1740+8C>A (NM_001408458.1, NM_001408461.1, NM_001408464.1 and 7 more transcripts); c.4302+8C>A (NM_001407967.1); c.4812+8C>A (NM_001407959.1); c.4926+8C>A (NM_001407931.1, NM_001407932.1, NM_001407928.1 and 4 more transcripts); c.5049+8C>A (NM_001407747.1, NM_001407745.1, NM_001407737.1 and 21 more transcripts); c.4809+8C>A (NM_001407962.1, NM_001407960.1); c.1380+8C>A (NM_001408512.1); c.1503+8C>A (NM_001408510.1); and 72 more.
Identifiers: ClinVar variation 741700 (VCV000741700.12), dbSNP rs1597818731, ClinGen allele CA915950065.

ClinVar aggregate classification (germline): Likely benign (1 of 4 stars; one submission).

Conditions:
Hereditary breast ovarian cancer syndrome. Also called: BRCA1- and BRCA2-Associated Hereditary Breast and Ovarian Cancer; Hereditary breast and ovarian cancer syndrome (HBOC); Hereditary breast and ovarian cancer syndrome; Breast and ovarian cancer; Hereditary breast and ovarian cancer; Hereditary breast and/or ovarian cancer syndrome. Identifiers: Orphanet 145, MedGen C0677776, MeSH D061325, MONDO:0003582. Disease mechanism: loss of function.

Submissions (2):

Labcorp Genetics (formerly Invitae), Labcorp
Classification: Likely benign for Hereditary breast ovarian cancer syndrome. Last evaluated: 2018-02-20. Review status: criteria provided, single submitter. Criteria: Invitae Variant Classification Sherloc (09022015). Collection method: clinical testing. Allele origin: germline.

Brotman Baty Institute, University of Washington
No classification provided (evidence only). Condition: Breast-ovarian cancer, familial 1. Review status: no classification provided. Collection method: in vitro. Allele origin: not applicable. Functional consequence: functionally_normal. Not counted in ClinVar's aggregate classification.
ClinVar note: "not provided" was previously submitted as the classification for the variant. However, the classification appeared to be based only on an observation of functional data so it was converted to no classification on 2025-07-30.